The following is an entry in ClinVar:

NM_022788.5(P2RY12):c.606C>A (p.Phe202Leu)

Genes: MED12L (mediator complex subunit 12L; plus strand), P2RY12 (purinergic receptor P2Y12; minus strand). Cytogenetic location: 3q25.1.
Variant type: single nucleotide variant.
Coding change: c.606C>A on transcript NM_022788.5 (MANE Select); coding-DNA position 606, C replaced by A.
Protein change: p.Phe202Leu; replaces phenylalanine 202 with leucine.
Molecular consequence: missense variant. On other transcripts: intron variant (2).
Genome position (GRCh38, 1-based): chr3:151,338,240, G>T on the plus strand (C>A on the coding strand, the complement: P2RY12 is on the minus strand). VCF-style: chr3-151338240-G-T. GRCh37 (hg19) VCF-style: chr3-151056028-G-T.
Other names: c.606C>A, p.Phe202Leu (NM_176876.3); c.2251-11819G>T (NM_001393769.1); c.2146-11819G>T (NM_053002.6); short protein forms F202L.
Identifiers: ClinVar variation 2615269 (VCV002615269.5), dbSNP rs774623268, ClinGen allele CA354980881.
Genomic context (GRCh38, chr3:151,338,240, plus strand): 5'-TCTTACGTATGACCGGTACAGTTCTTTTGTAATGAGTGTATAACATACAATAACAATTAA[G>T]AAATTAATCCAGAAAATGACTTGACAGATGTAATTTACTATTTCATGCCAGACTAGACCG-3'
Protein context (NP_073625.1, residues 192-212): YICQVIFWIN[Phe202Leu]LIVIVCYTLI

ClinVar aggregate classification (germline): Uncertain significance. Review status: criteria provided, multiple submitters, no conflicts (2 of 4 stars). 2 submissions from 2 submitters: Uncertain significance (2). Last evaluated 2023-08-02.

Allele frequency attached by ClinVar (database versions not stated): gnomAD exomes 0.00001.
gnomAD v4.1: 8 of 1,613,994 alleles (0.0005%); highest among the groups gnomAD compares: East Asian, 0.0022%; no homozygotes.

Submissions (2):

Ambry Genetics
Classification: Uncertain significance. Last evaluated: 2023-08-02. Review status: criteria provided, single submitter. Criteria: Ambry Variant Classification Scheme 2023. Collection method: clinical testing. Allele origin: germline.

Labcorp Genetics (formerly Invitae), Labcorp
Classification: Uncertain significance. Last evaluated: 2023-07-29. Review status: criteria provided, single submitter. Criteria: Invitae Variant Classification Sherloc (09022015). Collection method: clinical testing. Allele origin: germline.
Comment: This variant is not present in population databases (gnomAD no frequency). In summary, the available evidence is currently insufficient to determine the role of this variant in disease. Therefore, it has been classified as a Variant of Uncertain Significance. Algorithms developed to predict the effect of missense changes on protein structure and function output the following: SIFT: "Not Available"; PolyPhen-2: "Benign"; Align-GVGD: "Not Available". The leucine amino acid residue is found in multiple mammalian species, which suggests that this missense change does not adversely affect protein function. This variant has not been reported in the literature in individuals affected with P2RY12-related conditions. This sequence change replaces phenylalanine, which is neutral and non-polar, with leucine, which is neutral and non-polar, at codon 202 of the P2RY12 protein (p.Phe202Leu).